The following is an entry in ClinVar:

ClinVar aggregate classification (germline): Pathogenic. Review status: criteria provided, multiple submitters, no conflicts (2 of 4 stars). 4 submissions from 4 submitters: Pathogenic (4). Last evaluated 2025-06-25.

Conditions:
Fucosidosis. Also called: ALPHA-L-FUCOSIDASE DEFICIENCY. Identifiers: Orphanet 349, MedGen C0016788, MONDO:0009254, OMIM 230000.

Submissions (4):

GeneDx
Classification: Pathogenic. Last evaluated: 2025-06-25. Review status: criteria provided, single submitter. Criteria: GeneDx Variant Classification Process June 2021. Collection method: clinical testing. Allele origin: germline. Affected: yes.
Comment: Nonsense variant predicted to result in protein truncation or nonsense mediated decay in a gene for which loss of function is a known mechanism of disease; Not observed at significant frequency in large population cohorts (gnomAD); Has not been previously published as pathogenic or benign to our knowledge

Labcorp Genetics (formerly Invitae), Labcorp
Classification: Pathogenic for Fucosidosis. Last evaluated: 2024-05-06. Review status: criteria provided, single submitter. Criteria: Invitae Variant Classification Sherloc (09022015). Collection method: clinical testing. Allele origin: germline.
Comment: This sequence change creates a premature translational stop signal (p.Trp375*) in the FUCA1 gene. It is expected to result in an absent or disrupted protein product. Loss-of-function variants in FUCA1 are known to be pathogenic (PMID: 10094192). This variant is not present in population databases (gnomAD no frequency). This variant has not been reported in the literature in individuals affected with FUCA1-related conditions. ClinVar contains an entry for this variant (Variation ID: 198046). For these reasons, this variant has been classified as Pathogenic.

HudsonAlpha Institute for Biotechnology
Classification: Pathogenic for Fucosidosis. Last evaluated: 2019-06-25. Review status: criteria provided, single submitter. Criteria: ACMG Guidelines, 2015. Collection method: research. Allele origin: inherited. Affected: yes. Observed: 1 variant allele. Study: HudsonAlpha-AGHI-WGS.

Eurofins Ntd Llc (ga)
Classification: Pathogenic. Last evaluated: 2014-12-12. Review status: criteria provided, single submitter. Criteria: EGL Classification Definitions 2015. Collection method: clinical testing. Allele origin: germline. Observed: 2 variant alleles, 1 heterozygote, 1 homozygote.

Literature cited by the submitters: PubMed 10094192 (cited by Labcorp Genetics (formerly Invitae), Labcorp).

NM_000147.5(FUCA1):c.1125G>A (p.Trp375Ter)

Gene: FUCA1 (alpha-L-fucosidase 1; minus strand). Cytogenetic location: 1p36.11.
Variant type: single nucleotide variant.
Coding change: c.1125G>A on transcript NM_000147.5 (MANE Select); coding-DNA position 1125, G replaced by A.
Protein change: p.Trp375Ter; replaces tryptophan 375 with a stop codon.
Molecular consequence: nonsense.
Genome position (GRCh38, 1-based): chr1:23,848,684, C>T on the plus strand (G>A on the coding strand, the complement: FUCA1 is on the minus strand). VCF-style: chr1-23848684-C-T. GRCh37 (hg19) VCF-style: chr1-24175174-C-T.
Other names: short protein forms W375*.
Identifiers: ClinVar variation 198046 (VCV000198046.16), dbSNP rs794727774, ClinGen allele CA203204.